The following is an entry in ClinVar:

ClinVar aggregate classification (germline): Likely benign (0 of 4 stars; one submission).

Conditions:
DBT-related disorder. Also called: DBT-related condition.

Submission:

PreventionGenetics, part of Exact Sciences
Classification: Likely benign for DBT-related condition. Last evaluated: 2023-12-21. Review status: no assertion criteria provided. Collection method: clinical testing. Allele origin: germline.
Comment: This variant is classified as likely benign based on ACMG/AMP sequence variant interpretation guidelines (Richards et al. 2015 PMID: 25741868, with internal and published modifications).

NM_001918.5(DBT):c.1282-8A>C

Gene: DBT (dihydrolipoamide branched chain transacylase E2; minus strand). Cytogenetic location: 1p21.2.
Variant type: single nucleotide variant.
Coding change: c.1282-8A>C on transcript NM_001918.5 (MANE Select); 8 bases into the intron before coding-DNA position 1282, A replaced by C.
Molecular consequence: intron variant.
Genome position (GRCh38, 1-based): chr1:100,196,430, T>G on the plus strand (A>C on the coding strand, the complement: DBT is on the minus strand). VCF-style: chr1-100196430-T-G. GRCh37 (hg19) VCF-style: chr1-100661986-T-G.
Other names: c.739-8A>C (NM_001399972.1, NM_001399969.1).
Identifiers: ClinVar variation 3032660 (VCV003032660.2), dbSNP rs764781766, ClinGen allele CA524730361.
Genomic context (GRCh38, chr1:100,196,430, plus strand): 5'-TTCATTATCTGTGCCTTATATACTTCTCCTTTCTGGTTAAATCGGGGAATGGCCTAGAAA[T>G]GAAAAAAAAAAAAAAAAAAAAAAAAAAAAGAACAAAGAGTAAACCTTCACTTGTTCAGAG-3'